The following is an entry in ClinVar:

ClinVar aggregate classification (germline): Uncertain significance (1 of 4 stars; one submission).

gnomAD v4.1: 27 of 1,613,636 alleles (0.0017%); highest among the groups gnomAD compares: East Asian, 0.018%; no homozygotes.

Submission:

Ambry Genetics
Classification: Uncertain significance. Last evaluated: 2025-06-22. Review status: criteria provided, single submitter. Criteria: Ambry Variant Classification Scheme 2023. Collection method: clinical testing. Allele origin: germline.
Comment: The c.455C>T (p.A152V) alteration is located in exon (coding exon ) of the INPP5D gene. This alteration results from a C to T substitution at nucleotide position 455, causing the alanine (A) at amino acid position 152 to be replaced by a valine (V). Based on insufficient or conflicting evidence, the clinical significance of this alteration remains unclear.

NM_001017915.3(INPP5D):c.455C>T (p.Ala152Val)

Gene: INPP5D (inositol polyphosphate-5-phosphatase D; plus strand). Cytogenetic location: 2q37.1.
Variant type: single nucleotide variant.
Coding change: c.455C>T on transcript NM_001017915.3 (MANE Select); coding-DNA position 455, C replaced by T.
Protein change: p.Ala152Val; replaces alanine 152 with valine.
Molecular consequence: missense variant.
Genome position (GRCh38, 1-based): chr2:233,125,850, C>T. VCF-style: chr2-233125850-C-T. GRCh37 (hg19) VCF-style: chr2-233990560-C-T.
Other names: c.452C>T, p.Ala151Val (NM_005541.5); short protein forms A151V, A152V.
Identifiers: ClinVar variation 4275602 (VCV004275602.1).